The following is an entry in ClinVar:

ClinVar aggregate classification (germline): Uncertain significance (1 of 4 stars; one submission).

Submission:

GeneDx
Classification: Uncertain significance. Last evaluated: 2024-04-12. Review status: criteria provided, single submitter. Criteria: GeneDx Variant Classification Process June 2021. Collection method: clinical testing. Allele origin: germline. Affected: yes.
Comment: Not observed at significant frequency in large population cohorts (gnomAD); In silico analysis indicates that this missense variant does not alter protein structure/function; Has not been previously published as pathogenic or benign to our knowledge

NM_170606.3(KMT2C):c.11537C>G (p.Thr3846Ser)

Genes: KMT2C (lysine methyltransferase 2C; minus strand), LOC129999675 (ATAC-STARR-seq lymphoblastoid active region 26876; plus strand). Cytogenetic location: 7q36.1.
Variant type: single nucleotide variant.
Coding change: c.11537C>G on transcript NM_170606.3 (MANE Select); coding-DNA position 11537, C replaced by G.
Protein change: p.Thr3846Ser; replaces threonine 3846 with serine.
Molecular consequence: missense variant.
Genome position (GRCh38, 1-based): chr7:152,158,996, G>C on the plus strand (C>G on the coding strand, the complement: KMT2C is on the minus strand). VCF-style: chr7-152158996-G-C. GRCh37 (hg19) VCF-style: chr7-151856081-G-C.
Other names: short protein forms T3846S.
Identifiers: ClinVar variation 3365167 (VCV003365167.1).
Genomic context (GRCh38, chr7:152,158,996, plus strand): 5'-TTTGAGCGAGGTGCTGCTTTCTCACCCGTCCTCTGAGTCCGTTTGCTTCGCTGTTTCTTG[G>C]TTTCACTTCCTCCATCTGTTTTTGGCAACTGGTTGCCACATCCAAAACCACCTTGCATTT-3'
Protein context (NP_733751.2, residues 3836-3856): QLPKTDGGSE[Thr3846Ser]KKQRSKRTQR